The following is an entry in ClinVar:

NM_015386.3(COG4):c.1709A>G (p.Glu570Gly)

Gene: COG4 (component of oligomeric golgi complex 4; minus strand). Cytogenetic location: 16q22.1.
Variant type: single nucleotide variant.
Coding change: c.1709A>G on transcript NM_015386.3 (MANE Select); coding-DNA position 1709, A replaced by G.
Protein change: p.Glu570Gly; replaces glutamic acid 570 with glycine.
Molecular consequence: missense variant. On other transcripts: non-coding transcript variant (1), intron variant (1).
Genome position (GRCh38, 1-based): chr16:70,490,331, T>C on the plus strand (A>G on the coding strand, the complement: COG4 is on the minus strand). VCF-style: chr16-70490331-T-C. GRCh37 (hg19) VCF-style: chr16-70524234-T-C.
Other names: c.1283A>G, p.Glu428Gly (NM_001365426.1); c.1635+5935A>G (NM_001195139.2); short protein forms E428G, E570G.
Identifiers: ClinVar variation 4708247 (VCV004708247.1).

ClinVar aggregate classification (germline): Uncertain significance (1 of 4 stars; one submission).

Conditions:
COG4-congenital disorder of glycosylation. Also called: CONGENITAL DISORDER OF GLYCOSYLATION, TYPE IIj; CDG IIj; COG4-CDG. Identifiers: Orphanet 263501, MedGen C4303552, MONDO:0013281, OMIM 613489.

gnomAD v4.1: 5 of 1,613,116 alleles (0.00031%); highest among the groups gnomAD compares: Admixed American, 0.0067%; no homozygotes.

Submission:

Labcorp Genetics (formerly Invitae), Labcorp
Classification: Uncertain significance for COG4-congenital disorder of glycosylation. Last evaluated: 2026-01-17. Review status: criteria provided, single submitter. Criteria: Invitae Variant Classification Sherloc (09022015). Collection method: clinical testing. Allele origin: germline.
Comment: This sequence change replaces glutamic acid, which is acidic and polar, with glycine, which is neutral and non-polar, at codon 570 of the COG4 protein (p.Glu570Gly). This variant is present in population databases (no rsID available, gnomAD 0.009%). This variant has not been reported in the literature in individuals affected with COG4-related conditions. An algorithm developed to predict the effect of missense changes on protein structure and function (PolyPhen-2) suggests that this variant is likely to be tolerated. In summary, the available evidence is currently insufficient to determine the role of this variant in disease. Therefore, it has been classified as a Variant of Uncertain Significance.